The following is an entry in ClinVar:

NM_207111.4(RNF216):c.1255A>G (p.Lys419Glu)

Gene: RNF216 (ring finger protein 216; minus strand). Cytogenetic location: 7p22.1.
Variant type: single nucleotide variant.
Coding change: c.1255A>G on transcript NM_207111.4 (MANE Select); coding-DNA position 1255, A replaced by G.
Protein change: p.Lys419Glu; replaces lysine 419 with glutamic acid.
Molecular consequence: missense variant.
Genome position (GRCh38, 1-based): chr7:5,729,566, T>C on the plus strand (A>G on the coding strand, the complement: RNF216 is on the minus strand). VCF-style: chr7-5729566-T-C. GRCh37 (hg19) VCF-style: chr7-5769197-T-C.
Other names: c.1084A>G, p.Lys362Glu (NM_001377156.1, NM_207116.3); short protein forms K362E, K419E.
Identifiers: ClinVar variation 1898227 (VCV001898227.2), dbSNP rs774738180, ClinGen allele CA4148263.

ClinVar aggregate classification (germline): Uncertain significance (1 of 4 stars; one submission).

Allele frequency attached by ClinVar (database versions not stated): ExAC 0.00001; gnomAD 0.00001; gnomAD exomes 0.00001; TOPMed 0.00002.
gnomAD v4.1: 14 of 1,614,030 alleles (0.00087%); highest among the groups gnomAD compares: Non-Finnish European, 0.0012%; no homozygotes.

Submission:

Labcorp Genetics (formerly Invitae), Labcorp
Classification: Uncertain significance. Last evaluated: 2022-09-20. Review status: criteria provided, single submitter. Criteria: Invitae Variant Classification Sherloc (09022015). Collection method: clinical testing. Allele origin: germline.
Comment: This sequence change replaces lysine, which is basic and polar, with glutamic acid, which is acidic and polar, at codon 419 of the RNF216 protein (p.Lys419Glu). This variant is present in population databases (rs774738180, gnomAD 0.002%). This variant has not been reported in the literature in individuals affected with RNF216-related conditions. Algorithms developed to predict the effect of missense changes on protein structure and function are either unavailable or do not agree on the potential impact of this missense change (SIFT: "Deleterious"; PolyPhen-2: "Benign"; Align-GVGD: "Class C0"). In summary, the available evidence is currently insufficient to determine the role of this variant in disease. Therefore, it has been classified as a Variant of Uncertain Significance.